The following is an entry in ClinVar:

ClinVar aggregate classification (germline): Uncertain significance (1 of 4 stars; one submission).

Conditions:
Ehlers-Danlos syndrome, classic type, 1 (EDSCL1). Also called: EHLERS-DANLOS SYNDROME, GRAVIS TYPE; EHLERS-DANLOS SYNDROME, SEVERE CLASSIC TYPE; Ehlers-Danlos syndrome, type 1; Ehlers-Danlos Syndrome, Classic Type, COL5A1-Related; EDS I. Identifiers: MedGen C0268335, MONDO:0019567, OMIM 130000.

Submission:

Labcorp Genetics (formerly Invitae), Labcorp
Classification: Uncertain significance for Ehlers-Danlos syndrome, classic type, 1. Last evaluated: 2021-10-11. Review status: criteria provided, single submitter. Criteria: Invitae Variant Classification Sherloc (09022015). Collection method: clinical testing. Allele origin: germline.
Comment: In summary, the available evidence is currently insufficient to determine the role of this variant in disease. Therefore, it has been classified as a Variant of Uncertain Significance. This variant disrupts the triple helix domain of COL5A1. Glycine residues within the Gly-Xaa-Yaa repeats of the triple helix domain are required for the structure and stability of fibrillar collagens (PMID: 7695699, 8218237, 19344236), and variants at these glycine residues in COL5A1 are more frequently observed in individuals with disease than in the general population (PMID: 22696272, 23587214). However, the clinical significance of this observation remains uncertain since only a limited number of affected individuals have been described to date. Advanced modeling of protein sequence and biophysical properties (such as structural, functional, and spatial information, amino acid conservation, physicochemical variation, residue mobility, and thermodynamic stability) performed at Invitae indicates that this missense variant is expected to disrupt COL5A1 protein function. This variant has not been reported in the literature in individuals affected with COL5A1-related conditions. This variant is not present in population databases (ExAC no frequency). This sequence change replaces glycine with arginine at codon 1171 of the COL5A1 protein (p.Gly1171Arg). The glycine residue is highly conserved and there is a moderate physicochemical difference between glycine and arginine.

Literature cited by the submitters: PubMed 7695699; PubMed 8218237; PubMed 19344236; PubMed 22696272; PubMed 23587214.

NM_000093.5(COL5A1):c.3511G>A (p.Gly1171Arg)

Gene: COL5A1 (collagen type V alpha 1 chain; plus strand). Cytogenetic location: 9q34.3.
Variant type: single nucleotide variant.
Coding change: c.3511G>A on transcript NM_000093.5 (MANE Select); coding-DNA position 3511, G replaced by A.
Protein change: p.Gly1171Arg; replaces glycine 1171 with arginine.
Molecular consequence: missense variant.
Genome position (GRCh38, 1-based): chr9:134,810,291, G>A. VCF-style: chr9-134810291-G-A. GRCh37 (hg19) VCF-style: chr9-137702137-G-A.
Other names: c.3511G>A, p.Gly1171Arg (NM_001278074.1); short protein forms G1171R.
Identifiers: ClinVar variation 1386089 (VCV001386089.6), dbSNP rs2132841157, ClinGen allele CA375453670.
Genomic context (GRCh38, chr9:134,810,291, plus strand): 5'-CGAATCCCCCACACCTTCCCCTAGGGAGAGATCGGGGAGCCGGGGCAGAAAGGAAGCAAG[G>A]GGGACAAAGGAGAACAGGTAAGTATTGGCACGGGGGCGCGCGGCAGCCCCCAGGTCCCGG-3'
Protein context (NP_000084.3, residues 1161-1181): IGEPGQKGSK[Gly1171Arg]DKGEQGPPGP